The following is an entry in ClinVar:

NM_020778.5(ALPK3):c.4049A>G (p.Asn1350Ser)

Gene: ALPK3 (alpha kinase 3; plus strand). Cytogenetic location: 15q25.3.
Variant type: single nucleotide variant.
Coding change: c.4049A>G on transcript NM_020778.5 (MANE Select); coding-DNA position 4049, A replaced by G.
Protein change: p.Asn1350Ser; replaces asparagine 1350 with serine.
Molecular consequence: missense variant.
Genome position (GRCh38, 1-based): chr15:84,859,859, A>G. VCF-style: chr15-84859859-A-G. GRCh37 (hg19) VCF-style: chr15-85403090-A-G.
Other names: c.4655A>G (NM_020778.4); short protein forms N1350S.
Identifiers: ClinVar variation 2003513 (VCV002003513.5), dbSNP rs2505724865, ClinGen allele CA393361960.

ClinVar aggregate classification (germline): Uncertain significance. Review status: criteria provided, multiple submitters, no conflicts (2 of 4 stars). 2 submissions from 2 submitters: Uncertain significance (2). Last evaluated 2024-01-22.

Conditions:
Cardiovascular phenotype. Identifiers: MedGen CN230736.

Allele frequency attached by ClinVar (database versions not stated): gnomAD exomes below 0.00001.
gnomAD v4.1: 1 of 1,614,028 alleles (0.000062%); highest among the groups gnomAD compares: Non-Finnish European, 0.000085%; no homozygotes.

Submissions (2):

Ambry Genetics
Classification: Uncertain significance for Cardiovascular phenotype. Last evaluated: 2024-01-22. Review status: criteria provided, single submitter. Criteria: Ambry Variant Classification Scheme 2023. Collection method: clinical testing. Allele origin: germline.
Comment: The p.N1552S variant (also known as c.4655A>G), located in coding exon 8 of the ALPK3 gene, results from an A to G substitution at nucleotide position 4655. The asparagine at codon 1552 is replaced by serine, an amino acid with highly similar properties. This amino acid position is conserved. In addition, this alteration is predicted to be tolerated by in silico analysis. Based on the available evidence, the clinical significance of this alteration remains unclear.

Labcorp Genetics (formerly Invitae), Labcorp
Classification: Uncertain significance. Last evaluated: 2022-09-23. Review status: criteria provided, single submitter. Criteria: Invitae Variant Classification Sherloc (09022015). Collection method: clinical testing. Allele origin: germline.
Comment: This sequence change replaces asparagine, which is neutral and polar, with serine, which is neutral and polar, at codon 1552 of the ALPK3 protein (p.Asn1552Ser). This variant is not present in population databases (gnomAD no frequency). This variant has not been reported in the literature in individuals affected with ALPK3-related conditions. Advanced modeling of protein sequence and biophysical properties (such as structural, functional, and spatial information, amino acid conservation, physicochemical variation, residue mobility, and thermodynamic stability) performed at Invitae indicates that this missense variant is expected to disrupt ALPK3 protein function. In summary, the available evidence is currently insufficient to determine the role of this variant in disease. Therefore, it has been classified as a Variant of Uncertain Significance.